The following is an entry in ClinVar:

NM_000540.3(RYR1):c.3462C>T (p.Leu1154=)

Gene: RYR1 (ryanodine receptor 1; plus strand). Cytogenetic location: 19q13.2.
Variant type: single nucleotide variant.
Coding change: c.3462C>T on transcript NM_000540.3 (MANE Select); coding-DNA position 3462, C replaced by T.
Protein change: p.Leu1154=; no amino-acid change (leucine 1154 retained).
Molecular consequence: synonymous variant.
Genome position (GRCh38, 1-based): chr19:38,469,046, C>T. VCF-style: chr19-38469046-C-T. GRCh37 (hg19) VCF-style: chr19-38959686-C-T.
Other names: c.3462C>T, p.Leu1154= (NM_001042723.2).
Identifiers: ClinVar variation 3069830 (VCV003069830.1), dbSNP rs2514113563, ClinGen allele CA507352784.

ClinVar aggregate classification (germline): Uncertain significance (1 of 4 stars; one submission).

Conditions:
Malignant hyperthermia, susceptibility to, 1 (MHS1). Also called: RYR1-Related Malignant Hyperthermia Susceptibility; Anesthesia related hyperthermia; Malignant hyperpyrexia; Fulminating hyperpyrexia; Pharmacogenic myopathy; Malignant hyperthermia suceptibility 1. Identifiers: Orphanet 423, MedGen C2930980, MONDO:0007783, OMIM 145600.

Allele frequency attached by ClinVar (database versions not stated): gnomAD exomes below 0.00001.
gnomAD v4.1: 3 of 1,614,176 alleles (0.00019%); highest among the groups gnomAD compares: Non-Finnish European, 0.00025%; no homozygotes.

Submission:

All of Us Research Program, National Institutes of Health
Classification: Uncertain significance for Malignant hyperthermia, susceptibility to, 1. Last evaluated: 2023-03-09. Review status: criteria provided, single submitter. Criteria: ACMG Guidelines, 2015. Collection method: clinical testing. Allele origin: germline. Inheritance: Autosomal dominant inheritance. Observed: 1 variant allele, 1 heterozygote.
Comment: This variant is located in the RYR1 protein. To our knowledge, functional studies have not been reported for this variant. This variant has not been reported in individuals affected with RYR1-related disorders in the literature. This variant has not been identified in the general population by the Genome Aggregation Database (gnomAD). The available evidence is insufficient to determine the role of this variant in disease conclusively. Therefore, this variant is classified as a Variant of Uncertain Significance.

This study involves interpretation of variants in research participants for the purpose of population health screening. Participant phenotype was not available at the time of variant classification. Additional details can be found in publication PMID: 35346344, PMCID: PMC8962531